The following is an entry in ClinVar:

NM_152384.3(BBS5):c.714T>A (p.Asp238Glu)

Gene: BBS5 (Bardet-Biedl syndrome 5; plus strand). Cytogenetic location: 2q31.1.
Variant type: single nucleotide variant.
Coding change: c.714T>A on transcript NM_152384.3 (MANE Select); coding-DNA position 714, T replaced by A.
Protein change: p.Asp238Glu; replaces aspartic acid 238 with glutamic acid.
Molecular consequence: missense variant.
Genome position (GRCh38, 1-based): chr2:169,499,518, T>A. VCF-style: chr2-169499518-T-A. GRCh37 (hg19) VCF-style: chr2-170356028-T-A.
Other names: short protein forms D238E.
Identifiers: ClinVar variation 2102047 (VCV002102047.1), dbSNP rs2468046103, ClinGen allele CA349167086.
Genomic context (GRCh38, chr2:169,499,518, plus strand): 5'-TTTTTTTTTATTATTTTTTCTCTTGTAGAGTGGTGGATATGTTCTTGGCTTTAAAATAGA[T>A]CCTGTGGAAAAACTACAAGAATCAGTTAAGGAAATCAATTCACTTCACAAAGTCTATTCT-3'
Protein context (NP_689597.1, residues 228-248): SGGYVLGFKI[Asp238Glu]PVEKLQESVK

ClinVar aggregate classification (germline): Uncertain significance (1 of 4 stars; one submission).

Conditions:
Bardet-Biedl syndrome (BBS). Identifiers: Orphanet 110, MedGen C0752166, MONDO:0015229.

Allele frequency attached by ClinVar (database versions not stated): gnomAD exomes below 0.00001.
gnomAD v4.1: 3 of 1,613,598 alleles (0.00019%); highest among the groups gnomAD compares: Non-Finnish European, 0.00025%; no homozygotes.

Submission:

Labcorp Genetics (formerly Invitae), Labcorp
Classification: Uncertain significance for Bardet-Biedl syndrome. Last evaluated: 2022-04-22. Review status: criteria provided, single submitter. Criteria: Invitae Variant Classification Sherloc (09022015). Collection method: clinical testing. Allele origin: germline.
Comment: This sequence change replaces aspartic acid, which is acidic and polar, with glutamic acid, which is acidic and polar, at codon 238 of the BBS5 protein (p.Asp238Glu). This variant is not present in population databases (gnomAD no frequency). This variant has not been reported in the literature in individuals affected with BBS5-related conditions. Algorithms developed to predict the effect of missense changes on protein structure and function (SIFT, PolyPhen-2, Align-GVGD) all suggest that this variant is likely to be disruptive. In summary, the available evidence is currently insufficient to determine the role of this variant in disease. Therefore, it has been classified as a Variant of Uncertain Significance.